The following is an entry in ClinVar:

ClinVar aggregate classification (germline): Uncertain significance (1 of 4 stars; one submission).

Submission:

GeneDx
Classification: Uncertain significance. Last evaluated: 2026-04-20. Review status: criteria provided, single submitter. Criteria: GeneDx Variant Classification Process June 2021. Collection method: clinical testing. Allele origin: germline.
Comment: Not observed at significant frequency in large population cohorts (gnomAD); In silico analysis supports that this missense variant has a deleterious effect on protein structure/function; Has not been previously published as pathogenic or benign to our knowledge

NM_001024630.4(RUNX2):c.92C>T (p.Ser31Phe)

Gene: RUNX2 (RUNX family transcription factor 2; plus strand). Cytogenetic location: 6p21.1.
Variant type: single nucleotide variant.
Coding change: c.92C>T on transcript NM_001024630.4 (MANE Select); coding-DNA position 92, C replaced by T.
Protein change: p.Ser31Phe; replaces serine 31 with phenylalanine.
Molecular consequence: missense variant.
Genome position (GRCh38, 1-based): chr6:45,422,626, C>T. VCF-style: chr6-45422626-C-T. GRCh37 (hg19) VCF-style: chr6-45390363-C-T.
Other names: c.92C>T, p.Ser31Phe (NM_001015051.4); c.50C>T, p.Ser17Phe (NM_001278478.2, NM_001369405.1); short protein forms S17F, S31F.
Identifiers: ClinVar variation 5037435 (VCV005037435.1).
Genomic context (GRCh38, chr6:45,422,626, plus strand): 5'-TGGCTGTTGTGATGCGTATTCCCGTAGATCCGAGCACCAGCCGGCGCTTCAGCCCCCCCT[C>T]CAGCAGCCTGCAGCCCGGCAAAATGAGCGACGTGAGCCCGGTGGTGGCTGCGCAACAGCA-3'
Protein context (NP_001019801.3, residues 21-41): PSTSRRFSPP[Ser31Phe]SSLQPGKMSD